The following is an entry in ClinVar:

NM_015335.5(MED13L):c.3063C>T (p.Pro1021=)

Gene: MED13L (mediator complex subunit 13L; minus strand). Cytogenetic location: 12q24.21.
Variant type: single nucleotide variant.
Coding change: c.3063C>T on transcript NM_015335.5 (MANE Select); coding-DNA position 3063, C replaced by T.
Protein change: p.Pro1021=; no amino-acid change (proline 1021 retained).
Molecular consequence: synonymous variant.
Genome position (GRCh38, 1-based): chr12:115,991,891, G>A on the plus strand (C>T on the coding strand, the complement: MED13L is on the minus strand). VCF-style: chr12-115991891-G-A. GRCh37 (hg19) VCF-style: chr12-116429696-G-A.
Identifiers: ClinVar variation 415971 (VCV000415971.37), dbSNP rs142191700, ClinGen allele CA6811034.
Genomic context (GRCh38, chr12:115,991,891, plus strand): 5'-TGGAGATGGTAGGACTCCTGCCCCACTATTGCTGGCTGGGGCAGCGCTGTTCAACGTCAC[G>A]GGTGTGTTCATCTGTGGTGTGTTCAGATAGTCTGGATCTGCTAGGCTCCCAACACTAGGC-3'
Protein context (NP_056150.1, residues 1011-1031): DYLNTPQMNT[Pro1021=]VTLNSAAPAS

ClinVar aggregate classification (germline): Likely benign. Review status: criteria provided, multiple submitters, no conflicts (2 of 4 stars). 4 submissions from 4 submitters: Likely benign (4). Last evaluated 2025-12-22.

Conditions:
MED13L-related disorder. Also called: MED13L-related condition.
Dextro-looped transposition of the great arteries. Also called: Dextrotransposition of the great arteries. Identifiers: Orphanet 860, MedGen C3531771, MONDO:0019443, OMIM 608808, HP:0031348.

Allele frequency attached by ClinVar (database versions not stated): gnomAD exomes 0.00002 and 0.00004; ExAC 0.00003; ESP Exome Variant Server 0.00015; gnomAD 0.00012 and 0.00013; TOPMed 0.00012.
gnomAD v4.1: 54 of 1,601,990 alleles (0.0034%); highest among the groups gnomAD compares: African/African-American, 0.021%; no homozygotes.

Submissions (4):

Labcorp Genetics (formerly Invitae), Labcorp
Classification: Likely benign for Dextro-looped transposition of the great arteries. Last evaluated: 2025-12-22. Review status: criteria provided, single submitter. Criteria: Invitae Variant Classification Sherloc (09022015). Collection method: clinical testing. Allele origin: germline.

PreventionGenetics, part of Exact Sciences
Classification: Likely benign for MED13L-related condition. Last evaluated: 2024-11-21. Review status: criteria provided, single submitter. Criteria: ACMG Guidelines, 2015. Collection method: clinical testing. Allele origin: germline.
Comment: This variant is classified as likely benign based on ACMG/AMP sequence variant interpretation guidelines (Richards et al. 2015 PMID: 25741868, with internal and published modifications).

Blueprint Genetics
Classification: Likely benign. Last evaluated: 2024-11-15. Review status: criteria provided, single submitter. Criteria: ACMG Guidelines, 2015. Collection method: clinical testing. Allele origin: germline.

CeGaT Center for Human Genetics Tuebingen
Classification: Likely benign. Last evaluated: 2022-06-01. Review status: criteria provided, single submitter. Criteria: CeGaT Center For Human Genetics Tuebingen Variant Classification Criteria Version 2. Collection method: clinical testing. Allele origin: germline. Affected: yes. Observed: 1 variant allele.
Comment: MED13L: BP4, BP7